The following is an entry in ClinVar:

NM_000454.5(SOD1):c.230A>T (p.Asp77Val)

Gene: SOD1 (superoxide dismutase 1; plus strand). Cytogenetic location: 21q22.11.
Variant type: single nucleotide variant.
Coding change: c.230A>T on transcript NM_000454.5 (MANE Select); coding-DNA position 230, A replaced by T.
Protein change: p.Asp77Val; replaces aspartic acid 77 with valine.
Molecular consequence: missense variant.
Genome position (GRCh38, 1-based): chr21:31,666,509, A>T. VCF-style: chr21-31666509-A-T. GRCh37 (hg19) VCF-style: chr21-33038822-A-T.
Other names: short protein forms D77V.
Identifiers: ClinVar variation 1030809 (VCV001030809.9), dbSNP rs1568810316, ClinGen allele CA410037335.

ClinVar aggregate classification (germline): Pathogenic/Likely pathogenic. Review status: criteria provided, multiple submitters, no conflicts (2 of 4 stars). 3 submissions from 3 submitters: Pathogenic (1); Likely pathogenic (2). Last evaluated 2025-08-18.

Conditions:
Amyotrophic lateral sclerosis type 1 (ALS1). Also called: AMYOTROPHIC LATERAL SCLEROSIS 1, FAMILIAL. Identifiers: Orphanet 803, MedGen C1862939, MONDO:0007103, OMIM 105400.

Submissions (3):

Labcorp Genetics (formerly Invitae), Labcorp
Classification: Pathogenic for Amyotrophic lateral sclerosis type 1. Last evaluated: 2025-08-18. Review status: criteria provided, single submitter. Criteria: Invitae Variant Classification Sherloc (09022015). Collection method: clinical testing. Allele origin: germline.
Comment: This sequence change replaces aspartic acid, which is acidic and polar, with valine, which is neutral and non-polar, at codon 77 of the SOD1 protein (p.Asp77Val). This variant is not present in population databases (gnomAD no frequency). This missense change has been observed in individuals with autosomal dominant amyotrophic lateral sclerosis (PMID: 12215228, 35154965). It has also been observed to segregate with disease in related individuals. This variant is also known as D76V. ClinVar contains an entry for this variant (Variation ID: 1030809). Invitae Evidence Modeling of protein sequence and biophysical properties (such as structural, functional, and spatial information, amino acid conservation, physicochemical variation, residue mobility, and thermodynamic stability) indicates that this missense variant is expected to disrupt SOD1 protein function with a positive predictive value of 95%. Experimental studies have shown that this missense change affects SOD1 function (PMID: 23280792). For these reasons, this variant has been classified as Pathogenic.

Revvity Omics, Revvity
Classification: Likely pathogenic. Last evaluated: 2024-07-12. Review status: criteria provided, single submitter. Criteria: ACMG Guidelines, 2015. Collection method: clinical testing. Allele origin: germline.

Baylor Genetics
Classification: Likely pathogenic for Amyotrophic lateral sclerosis type 1. Last evaluated: 2020-05-05. Review status: criteria provided, single submitter. Criteria: ACMG Guidelines, 2015. Collection method: clinical testing. Allele origin: unknown. Affected: yes.
Comment: This variant was determined to be likely pathogenic according to ACMG Guidelines, 2015 [PMID:25741868].

Literature cited by the submitters: PubMed 12215228 (cited by Labcorp Genetics (formerly Invitae), Labcorp); PubMed 35154965 (cited by Labcorp Genetics (formerly Invitae), Labcorp); PubMed 23280792 (cited by Labcorp Genetics (formerly Invitae), Labcorp).